The following is an entry in ClinVar:

ClinVar aggregate classification (germline): Uncertain significance (1 of 4 stars; one submission).

Allele frequency attached by ClinVar (database versions not stated): gnomAD exomes below 0.00001.
gnomAD v4.1: 1 of 1,613,984 alleles (0.000062%); highest among the groups gnomAD compares: Non-Finnish European, 0.000085%; no homozygotes.

Submission:

CeGaT Center for Human Genetics Tuebingen
Classification: Uncertain significance. Last evaluated: 2022-09-01. Review status: criteria provided, single submitter. Criteria: CeGaT Center For Human Genetics Tuebingen Variant Classification Criteria Version 2. Collection method: clinical testing. Allele origin: germline. Affected: yes. Observed: 1 variant allele.
Comment: MYH8: PM2

NM_002472.3(MYH8):c.4172A>G (p.Glu1391Gly)

Genes: MYH8 (myosin heavy chain 8; minus strand), MYHAS (myosin heavy chain gene cluster antisense RNA; plus strand). Cytogenetic location: 17p13.1.
Variant type: single nucleotide variant.
Coding change: c.4172A>G on transcript NM_002472.3 (MANE Select); coding-DNA position 4172, A replaced by G.
Protein change: p.Glu1391Gly; replaces glutamic acid 1391 with glycine.
Molecular consequence: missense variant.
Genome position (GRCh38, 1-based): chr17:10,398,450, T>C on the plus strand (A>G on the coding strand, the complement: MYH8 is on the minus strand). VCF-style: chr17-10398450-T-C. GRCh37 (hg19) VCF-style: chr17-10301767-T-C.
Other names: short protein forms E1391G.
Identifiers: ClinVar variation 2647472 (VCV002647472.24), dbSNP rs2508031752, ClinGen allele CA398100368.
Genomic context (GRCh38, chr17:10,398,450, plus strand): 5'-ATAAATATCACAGCTGCTTCTGGGAGTTCCTCTTCTAGAGTTCACAGCACATACTTGGCC[T>C]CCTCCAGCTCCTCTGTGCGCTGGATGGCATCCGTCTCGTATTTGGTTCTCCACTGGGCAA-3'
Protein context (NP_002463.2, residues 1381-1401): DAIQRTEELE[Glu1391Gly]AKKKLAQRLQ